The following is an entry in ClinVar:

NM_005173.4(ATP2A3):c.2751G>A (p.Ser917=)

Gene: ATP2A3 (ATPase sarcoplasmic/endoplasmic reticulum Ca2+ transporting 3; minus strand). Cytogenetic location: 17p13.2.
Variant type: single nucleotide variant.
Coding change: c.2751G>A on transcript NM_005173.4 (MANE Select); coding-DNA position 2751, G replaced by A.
Protein change: p.Ser917=; no amino-acid change (serine 917 retained).
Molecular consequence: synonymous variant.
Genome position (GRCh38, 1-based): chr17:3,929,439, C>T on the plus strand (G>A on the coding strand, the complement: ATP2A3 is on the minus strand). VCF-style: chr17-3929439-C-T. GRCh37 (hg19) VCF-style: chr17-3832733-C-T.
Other names: c.2751G>A, p.Ser917= (NM_174953.3, NM_174954.3, NM_174955.3 and 3 more transcripts).
Identifiers: ClinVar variation 3056246 (VCV003056246.2), dbSNP rs61731021, ClinGen allele CA8296735.

ClinVar aggregate classification (germline): Benign (0 of 4 stars; one submission).

Conditions:
ATP2A3-related disorder. Also called: ATP2A3-related condition.

Allele frequency attached by ClinVar (database versions not stated): 1000 Genomes Project 0.06609; TOPMed 0.06824; ESP Exome Variant Server 0.06888; 1000 Genomes Project 30x 0.07292.
gnomAD v4.1: 18,105 of 1,591,268 alleles (1.1%); highest among the groups gnomAD compares: African/African-American, 21%; 1,727 homozygotes.

Submission:

PreventionGenetics, part of Exact Sciences
Classification: Benign for ATP2A3-related condition. Last evaluated: 2019-09-24. Review status: no assertion criteria provided. Collection method: clinical testing. Allele origin: germline.
Comment: This variant is classified as benign based on ACMG/AMP sequence variant interpretation guidelines (Richards et al. 2015 PMID: 25741868, with internal and published modifications).